The following is an entry in ClinVar:

ClinVar aggregate classification (germline): Uncertain significance. Review status: criteria provided, multiple submitters, no conflicts (2 of 4 stars). 4 submissions from 4 submitters: Uncertain significance (4). Last evaluated 2024-10-18.

Conditions:
Long QT syndrome (LQTS). Identifiers: MedGen C0023976, MeSH D008133, MONDO:0002442. Disease mechanism: loss of function. Inheritance: Various modes of inheritance.
Cardiac arrhythmia, ankyrin-B-related. Also called: ANKYRIN-B SYNDROME. Identifiers: Orphanet 101016, Orphanet 768, MedGen C1970119, MONDO:0010958, OMIM 600919.

Allele frequency attached by ClinVar (database versions not stated): TOPMed below 0.00001; gnomAD 0.00001.
gnomAD v4.1: 8 of 1,613,138 alleles (0.0005%); highest among the groups gnomAD compares: African/African-American, 0.0013%; no homozygotes.

Submissions (4):

Labcorp Genetics (formerly Invitae), Labcorp
Classification: Uncertain significance for Long QT syndrome. Last evaluated: 2024-10-18. Review status: criteria provided, single submitter. Criteria: Invitae Variant Classification Sherloc (09022015). Collection method: clinical testing. Allele origin: germline.
Comment: This sequence change replaces isoleucine, which is neutral and non-polar, with valine, which is neutral and non-polar, at codon 427 of the ANK2 protein (p.Ile427Val). This variant is present in population databases (rs750168379, gnomAD 0.004%). This variant has not been reported in the literature in individuals affected with ANK2-related conditions. ClinVar contains an entry for this variant (Variation ID: 289381). An algorithm developed to predict the effect of missense changes on protein structure and function outputs the following: PolyPhen-2: "Benign". The valine amino acid residue is found in multiple mammalian species, which suggests that this missense change does not adversely affect protein function. In summary, the available evidence is currently insufficient to determine the role of this variant in disease. Therefore, it has been classified as a Variant of Uncertain Significance.

Illumina Laboratory Services, Illumina
Classification: Uncertain significance for Cardiac arrhythmia, ankyrin-B-related. Last evaluated: 2018-01-13. Review status: criteria provided, single submitter. Criteria: ICSL Variant Classification Criteria 13 December 2019. Collection method: clinical testing. Allele origin: germline.

GeneDx
Classification: Uncertain significance. Last evaluated: 2017-08-25. Review status: criteria provided, single submitter. Criteria: GeneDx Variant Classification (06012015). Collection method: clinical testing. Allele origin: germline. Affected: yes.
Comment: A variant of uncertain significance has been identified in the ANK2 gene. The I427V variant has not been published as pathogenic or been reported as benign to our knowledge. This variant is not observed at a significant frequency in large population cohorts (Lek et al., 2016; 1000 Genomes Consortium et al., 2015; Exome Variant Server). However, the I427V variant is a conservative amino acid substitution, which is not likely to impact secondary protein structure as these residues share similar properties. This substitution occurs at a position where amino acids with similar properties to isoleucine (I) are tolerated across species and where valine (V) is present as the wild type in several species. Finally, in silico analysis suggests that this variant likely does not alter the protein structure/function.

Eurofins Ntd Llc (ga)
Classification: Uncertain significance. Last evaluated: 2016-08-04. Review status: criteria provided, single submitter. Criteria: EGL Classification Definitions 2015. Collection method: clinical testing. Allele origin: germline. Observed: 2 variant alleles, 2 heterozygotes.

NM_001148.6(ANK2):c.1279A>G (p.Ile427Val)

Gene: ANK2 (ankyrin 2; plus strand). Cytogenetic location: 4q26.
Variant type: single nucleotide variant.
Coding change: c.1279A>G on transcript NM_001148.6 (MANE Select); coding-DNA position 1279, A replaced by G.
Protein change: p.Ile427Val; replaces isoleucine 427 with valine.
Molecular consequence: missense variant. On other transcripts: intron variant (5).
Genome position (GRCh38, 1-based): chr4:113,258,140, A>G. VCF-style: chr4-113258140-A-G. GRCh37 (hg19) VCF-style: chr4-114179296-A-G.
Other names: c.1216A>G, p.Ile406Val (NM_001127493.3, NM_001354239.2, NM_001354243.2 and 14 more transcripts); c.1279A>G, p.Ile427Val (NM_001354225.2, NM_001354228.2, NM_001354232.2 and 8 more transcripts); c.1324A>G, p.Ile442Val (NM_001354230.2, NM_001354231.2, NM_001354237.2 and 5 more transcripts); c.1192A>G, p.Ile398Val (NM_001354249.2, NM_001354260.2, NM_001354264.2 and 13 more transcripts); c.1237A>G, p.Ile413Val (NM_001354261.2, NM_001386147.1, NM_001386160.1); c.1267A>G, p.Ile423Val (NM_001386148.2, NM_001386186.2); c.1330A>G, p.Ile444Val (NM_001386174.1); c.1306A>G, p.Ile436Val (NM_001386175.1); and 4 more; short protein forms I406V, I427V, I442V, I398V, I413V, I415V, I423V, I436V.
Identifiers: ClinVar variation 289381 (VCV000289381.14), dbSNP rs750168379, ClinGen allele CA3050233.
Genomic context (GRCh38, chr4:113,258,140, plus strand): 5'-AAGAAAAACCGCATCAAAGTCATGGAACTGCTGGTGAAATATGGGGCTTCAATCCAAGCT[A>G]TAACAGAGGTAGAAAAATGTTTTAGCTAGTCACAAAGCATTCCTTCTCTTACTCCTTCCT-3'
Protein context (NP_001139.3, residues 417-437): LVKYGASIQA[Ile427Val]TESGLTPIHV